The following is an entry in ClinVar:

ClinVar aggregate classification (germline): Uncertain significance. Review status: criteria provided, multiple submitters, no conflicts (2 of 4 stars). 3 submissions from 3 submitters: Uncertain significance (2). 1 of the submissions does not count toward it. Last evaluated 2025-09-05.

Conditions:
LRBA-related disorder. Also called: LRBA-related condition.
Inborn genetic diseases. Identifiers: MedGen C0950123, MeSH D030342.
Combined immunodeficiency due to LRBA deficiency. Also called: Common variable immunodeficiency 8, with autoimmunity. Identifiers: Orphanet 445018, MedGen C3553512, MONDO:0013863, OMIM 614700.

gnomAD v4.1: 8 of 1,614,026 alleles (0.0005%); highest among the groups gnomAD compares: Admixed American, 0.013%; no homozygotes.

Submissions (3):

Ambry Genetics
Classification: Uncertain significance for Inborn genetic diseases. Last evaluated: 2025-09-05. Review status: criteria provided, single submitter. Criteria: Ambry Variant Classification Scheme 2023. Collection method: clinical testing. Allele origin: germline.

Labcorp Genetics (formerly Invitae), Labcorp
Classification: Uncertain significance for Combined immunodeficiency due to LRBA deficiency. Last evaluated: 2023-09-08. Review status: criteria provided, single submitter. Criteria: Invitae Variant Classification Sherloc (09022015). Collection method: clinical testing. Allele origin: germline.
Comment: In summary, the available evidence is currently insufficient to determine the role of this variant in disease. Therefore, it has been classified as a Variant of Uncertain Significance. Advanced modeling of protein sequence and biophysical properties (such as structural, functional, and spatial information, amino acid conservation, physicochemical variation, residue mobility, and thermodynamic stability) has been performed at Invitae for this missense variant, however the output from this modeling did not meet the statistical confidence thresholds required to predict the impact of this variant on LRBA protein function. ClinVar contains an entry for this variant (Variation ID: 1416030). This variant has not been reported in the literature in individuals affected with LRBA-related conditions. This variant is present in population databases (rs766472618, gnomAD 0.02%). This sequence change replaces aspartic acid, which is acidic and polar, with glutamic acid, which is acidic and polar, at codon 2821 of the LRBA protein (p.Asp2821Glu).

PreventionGenetics, part of Exact Sciences
Classification: Uncertain significance for LRBA-related condition. Last evaluated: 2023-11-06. Review status: no assertion criteria provided. Collection method: clinical testing. Allele origin: germline. Not counted in ClinVar's aggregate classification.
Comment: The LRBA c.8463C>G variant is predicted to result in the amino acid substitution p.Asp2821Glu. To our knowledge, this variant has not been reported in the literature. This variant is reported in 0.020% of alleles in individuals of Latino descent in gnomAD. At this time, the clinical significance of this variant is uncertain due to the absence of conclusive functional and genetic evidence.

NM_001364905.1(LRBA):c.8430C>G (p.Asp2810Glu)

Gene: LRBA (LPS responsive beige-like anchor protein; minus strand). Cytogenetic location: 4q31.3.
Variant type: single nucleotide variant.
Coding change: c.8430C>G on transcript NM_001364905.1 (MANE Select); coding-DNA position 8430, C replaced by G.
Protein change: p.Asp2810Glu; replaces aspartic acid 2810 with glutamic acid.
Molecular consequence: missense variant.
Genome position (GRCh38, 1-based): chr4:150,277,891, G>C on the plus strand (C>G on the coding strand, the complement: LRBA is on the minus strand). VCF-style: chr4-150277891-G-C. GRCh37 (hg19) VCF-style: chr4-151199043-G-C.
Other names: c.8427C>G, p.Asp2809Glu (NM_001199282.3); c.8445C>G, p.Asp2815Glu (NM_001367550.1); c.8463C>G, p.Asp2821Glu (NM_006726.5); short protein forms D2809E, D2810E, D2815E, D2821E.
Identifiers: ClinVar variation 1416030 (VCV001416030.8), dbSNP rs766472618, ClinGen allele CA3101348.